The following is an entry in ClinVar:

NM_198576.4(AGRN):c.4287C>T (p.Arg1429=)

Gene: AGRN (agrin; plus strand). Cytogenetic location: 1p36.33.
Variant type: single nucleotide variant.
Coding change: c.4287C>T on transcript NM_198576.4 (MANE Select); coding-DNA position 4287, C replaced by T.
Protein change: p.Arg1429=; no amino-acid change (arginine 1429 retained).
Molecular consequence: synonymous variant.
Genome position (GRCh38, 1-based): chr1:1,049,048, C>T. VCF-style: chr1-1049048-C-T. GRCh37 (hg19) VCF-style: chr1-984428-C-T.
Other names: c.4287C>T, p.Arg1429= (NM_001305275.2); c.3972C>T, p.Arg1324= (NM_001364727.2).
Identifiers: ClinVar variation 773963 (VCV000773963.8), dbSNP rs540390242, ClinGen allele CA509375.

ClinVar aggregate classification (germline): Likely benign. Review status: criteria provided, multiple submitters, no conflicts (2 of 4 stars). 2 submissions from 2 submitters: Likely benign (2). Last evaluated 2025-11-25.

Conditions:
Congenital myasthenic syndrome 8. Also called: Myasthenic syndrome, congenital, 8, with pre- and postsynaptic defects; MYASTHENIC SYNDROME, CONGENITAL, DUE TO AGRIN DEFICIENCY. Identifiers: Orphanet 590, MedGen C3808739, MONDO:0014052, OMIM 615120.
AGRN-related disorder. Also called: AGRN-related condition.

Allele frequency attached by ClinVar (database versions not stated): 1000 Genomes Project 30x 0.00016; ExAC 0.00019; 1000 Genomes Project 0.00020.
gnomAD v4.1: 143 of 1,544,450 alleles (0.0093%); highest among the groups gnomAD compares: Non-Finnish European, 0.011%; no homozygotes.

Submissions (2):

Labcorp Genetics (formerly Invitae), Labcorp
Classification: Likely benign for Congenital myasthenic syndrome 8. Last evaluated: 2025-11-25. Review status: criteria provided, single submitter. Criteria: Invitae Variant Classification Sherloc (09022015). Collection method: clinical testing. Allele origin: germline.

PreventionGenetics, part of Exact Sciences
Classification: Likely benign for AGRN-related condition. Last evaluated: 2025-09-07. Review status: criteria provided, single submitter. Criteria: ACMG Guidelines, 2015. Collection method: clinical testing. Allele origin: germline.
Comment: This variant is classified as likely benign based on ACMG/AMP sequence variant interpretation guidelines (Richards et al. 2015 PMID: 25741868, with internal and published modifications).